The following is an entry in ClinVar:

NM_000443.4(ABCB4):c.2991T>G (p.Tyr997Ter)

Gene: ABCB4 (ATP binding cassette subfamily B member 4; minus strand). Cytogenetic location: 7q21.12.
Variant type: single nucleotide variant.
Coding change: c.2991T>G on transcript NM_000443.4 (MANE Select); coding-DNA position 2991, T replaced by G.
Protein change: p.Tyr997Ter; replaces tyrosine 997 with a stop codon.
Molecular consequence: nonsense.
Genome position (GRCh38, 1-based): chr7:87,409,326, A>C on the plus strand (T>G on the coding strand, the complement: ABCB4 is on the minus strand). VCF-style: chr7-87409326-A-C. GRCh37 (hg19) VCF-style: chr7-87038642-A-C.
Other names: c.2991T>G, p.Tyr997Ter (NM_018849.3); c.2850T>G, p.Tyr950Ter (NM_018850.3); short protein forms Y950*, Y997*.
Identifiers: ClinVar variation 5018686 (VCV005018686.2).

ClinVar aggregate classification (germline): Likely pathogenic (1 of 4 stars; one submission).

Conditions:
Progressive familial intrahepatic cholestasis type 3. Also called: MDR3 DEFICIENCY; Low Gamma-GT Familial Intrahepatic Cholestasis. Identifiers: Orphanet 79305, MedGen C1865643, MONDO:0011214, OMIM 602347.
Cholestasis, intrahepatic, of pregnancy, 3. Identifiers: Orphanet 69665, MedGen C3554241, MONDO:0013995, OMIM 614972.
Low phospholipid associated cholelithiasis (GBD1). Also called: Gallstone cholecystitis; Gallbladder disease 1. Identifiers: Orphanet 69663, MedGen C2609268, MONDO:0010939, OMIM 600803.

Submission:

Juno Genomics, Hangzhou Juno Genomics, Inc
Classification: Likely pathogenic for Cholestasis, intrahepatic, of pregnancy, 3; Progressive familial intrahepatic cholestasis type 3; Low phospholipid associated cholelithiasis. Review status: criteria provided, single submitter. Criteria: ACMG Guidelines, 2015. Collection method: clinical testing. Allele origin: germline.
Comment: Absent from controls (or at extremely low frequency if recessive) in Genome Aggregation Database.;Null variant in a gene where loss of function (LOF) is a known mechanism of disease.